The following is an entry in ClinVar:

NM_015015.3(KDM4B):c.1671G>C (p.Lys557Asn)

Genes: KDM4B (lysine demethylase 4B; plus strand), LOC130063244 (ATAC-STARR-seq lymphoblastoid active region 13796; plus strand). Cytogenetic location: 19p13.3.
Variant type: single nucleotide variant.
Coding change: c.1671G>C on transcript NM_015015.3 (MANE Select); coding-DNA position 1671, G replaced by C.
Protein change: p.Lys557Asn; replaces lysine 557 with asparagine.
Molecular consequence: missense variant.
Genome position (GRCh38, 1-based): chr19:5,131,431, G>C. VCF-style: chr19-5131431-G-C. GRCh37 (hg19) VCF-style: chr19-5131442-G-C.
Other names: c.1773G>C, p.Lys591Asn (NM_001411148.1); short protein forms K557N, K591N.
Identifiers: ClinVar variation 3905658 (VCV003905658.10).

ClinVar aggregate classification (germline): Uncertain significance (1 of 4 stars; one submission).

Submission:

CeGaT Center for Human Genetics Tuebingen
Classification: Uncertain significance. Last evaluated: 2025-05-01. Review status: criteria provided, single submitter. Criteria: CeGaT Center For Human Genetics Tuebingen Variant Classification Criteria Version 2. Collection method: clinical testing. Allele origin: germline. Affected: yes. Observed: 1 variant allele.
Comment: KDM4B: PM2, BP4